The following is an entry in ClinVar:

NM_015425.6(POLR1A):c.2267_2288del (p.Ser756fs)

Gene: POLR1A (RNA polymerase I subunit A; minus strand). Cytogenetic location: 2p11.2.
Variant type: Deletion.
Coding change: c.2267_2288del on transcript NM_015425.6 (MANE Select); coding-DNA positions 2267 to 2288, 22 bases deleted (GCTCCGCCTACGGCCTGGTCCA).
Protein change: p.Ser756fs; shifts the reading frame from serine 756.
Molecular consequence: frameshift variant.
Genome position (GRCh38, 1-based): chr2:86,052,921-86,052,942, TGGACCAGGCCGTAGGCGGAGC deleted on the plus strand (GCTCCGCCTACGGCCTGGTCCA on the coding strand, the reverse complement: POLR1A is on the minus strand); deleting any 22 consecutive bases within chr2:86,052,921-86,052,943 gives the same sequence; the c. name uses the placement nearest the transcript's 3' end. VCF-style (leftmost placement, unchanged base first): chr2-86052920-GTGGACCAGGCCGTAGGCGGAGC-G. GRCh37 (hg19) VCF-style: chr2-86280043-GTGGACCAGGCCGTAGGCGGAGC-G.
Other names: short protein forms S756fs.
Identifiers: ClinVar variation 3905475 (VCV003905475.10).

ClinVar aggregate classification (germline): Likely pathogenic (1 of 4 stars; one submission).

Submission:

CeGaT Center for Human Genetics Tuebingen
Classification: Likely pathogenic. Last evaluated: 2025-05-01. Review status: criteria provided, single submitter. Criteria: CeGaT Center For Human Genetics Tuebingen Variant Classification Criteria Version 2. Collection method: clinical testing. Allele origin: germline. Affected: yes. Observed: 1 variant allele.
Comment: POLR1A: PVS1:Strong, PM2